The following is an entry in ClinVar:

ClinVar aggregate classification (germline): Uncertain significance (1 of 4 stars; one submission).

Conditions:
Familial thoracic aortic aneurysm and aortic dissection (TAAD). Also called: Thoracic aortic aneurysms and dissections. Identifiers: Orphanet 91387, MedGen C4707243, MONDO:0019625.

Submission:

Ambry Genetics
Classification: Uncertain significance for Familial thoracic aortic aneurysm and aortic dissection. Last evaluated: 2021-04-06. Review status: criteria provided, single submitter. Criteria: Ambry Variant Classification Scheme 2023. Collection method: clinical testing. Allele origin: germline.
Comment: The c.2252A>C (p.D751A) alteration is located in coding exon 14 of the NOTCH1 gene. This alteration results from an A to C substitution at nucleotide position 2252, causing the aspartic acid (D) at amino acid position 751 to be replaced by an alanine (A). Based on data from the Genome Aggregation Database (gnomAD), the NOTCH1 c.2252A>C alteration was not observed, with coverage at this position. The p.D751 amino acid is conserved in available vertebrate species. The p.D751A alteration is predicted to be tolerated by in silico analysis. Based on insufficient or conflicting evidence, the clinical significance of this alteration remains unclear.

NM_017617.5(NOTCH1):c.2252A>C (p.Asp751Ala)

Gene: NOTCH1 (notch receptor 1; minus strand). Cytogenetic location: 9q34.3.
Variant type: single nucleotide variant.
Coding change: c.2252A>C on transcript NM_017617.5 (MANE Select); coding-DNA position 2252, A replaced by C.
Protein change: p.Asp751Ala; replaces aspartic acid 751 with alanine.
Molecular consequence: missense variant.
Genome position (GRCh38, 1-based): chr9:136,513,493, T>G on the plus strand (A>C on the coding strand, the complement: NOTCH1 is on the minus strand). VCF-style: chr9-136513493-T-G. GRCh37 (hg19) VCF-style: chr9-139407945-T-G.
Other names: short protein forms D751A.
Identifiers: ClinVar variation 985760 (VCV000985760.4), dbSNP rs1843215798, ClinGen allele CA375557226.
Genomic context (GRCh38, chr9:136,513,493, plus strand): 5'-ATGTCTTTGCAGGTGCCGCCGTTGACACAAGGGTTGGATTCACACTCATTGTTGTTGATG[T>G]CACAGTTGGTCCCACTCCACCCAGGGTCACAGTCGCACTTGTACCTGCAAGGGGGACCAC-3'
Protein context (NP_060087.3, residues 741-761): CDPGWSGTNC[Asp751Ala]INNNECESNP